The following is an entry in ClinVar:

ClinVar aggregate classification (germline): Likely pathogenic (1 of 4 stars; one submission).

Conditions:
Zellweger spectrum disorders (ZS). Also called: Zellweger Spectrum Disorder (ZSD); Zellweger syndrome; Zellweger Spectrum Disorder; Zellweger Spectrum. Identifiers: Orphanet 912, MedGen C0043459, MONDO:0019609.

Submission:

Natera, Inc.
Classification: Likely pathogenic for Zellweger syndrome. Last evaluated: 2025-08-18. Review status: criteria provided, single submitter. Criteria: Natera Variant Classification Schema (03/2026). Collection method: clinical testing. Allele origin: germline.
Comment: The c.1883_1884del variant in PEX6 is a frameshift variant predicted to shift the reading frame beginning at codon 628 and leads to a stop codon 33 codons downstream. This variant is expected to result in nonsense mediated decay, truncation, or a dysfunctional protein product. This variant is rare in the general population with a frequency below the threshold expected for the associated phenotype(s). Given the available evidence, this variant is classified as Likely Pathogenic.

NM_000287.4(PEX6):c.1883_1884del (p.Ala628fs)

Gene: PEX6 (peroxisomal biogenesis factor 6; minus strand). Cytogenetic location: 6p21.1.
Variant type: Deletion.
Coding change: c.1883_1884del on transcript NM_000287.4 (MANE Select); coding-DNA positions 1883 to 1884, 2 bases deleted (CA; older notation c.1883_1884delCA).
Protein change: p.Ala628fs; shifts the reading frame from alanine 628.
Molecular consequence: frameshift variant. On other transcripts: non-coding transcript variant (1).
Genome position (GRCh38, 1-based): chr6:42,967,368-42,967,369, TG deleted on the plus strand (CA on the coding strand, the reverse complement: PEX6 is on the minus strand). VCF-style (leftmost placement, unchanged base first): chr6-42967367-CTG-C. GRCh37 (hg19) VCF-style: chr6-42935105-CTG-C.
Other names: c.1619_1620del, p.Ala540fs (NM_001316313.2); short protein forms A540fs, A628fs.
Identifiers: ClinVar variation 4818111 (VCV004818111.1).